The following is an entry in ClinVar:

NM_004357.5(CD151):c.754C>T (p.His252Tyr)

Gene: CD151 (CD151 molecule (Raph blood group); plus strand). Cytogenetic location: 11p15.5.
Variant type: single nucleotide variant.
Coding change: c.754C>T on transcript NM_004357.5 (MANE Select); coding-DNA position 754, C replaced by T.
Protein change: p.His252Tyr; replaces histidine 252 with tyrosine.
Molecular consequence: missense variant.
Genome position (GRCh38, 1-based): chr11:838,184, C>T. VCF-style: chr11-838184-C-T. GRCh37 (hg19) VCF-style: chr11-838184-C-T.
Other names: c.754C>T, p.His252Tyr (NM_001039490.2, NM_139029.2, NM_139030.4); short protein forms H252Y.
Identifiers: ClinVar variation 2796879 (VCV002796879.3), dbSNP rs2495990344, ClinGen allele CA378996493.

ClinVar aggregate classification (germline): Uncertain significance (1 of 4 stars; one submission).

Submission:

Labcorp Genetics (formerly Invitae), Labcorp
Classification: Uncertain significance. Last evaluated: 2025-11-10. Review status: criteria provided, single submitter. Criteria: Invitae Variant Classification Sherloc (09022015). Collection method: clinical testing. Allele origin: germline.
Comment: This sequence change replaces histidine, which is basic and polar, with tyrosine, which is neutral and polar, at codon 252 of the CD151 protein (p.His252Tyr). This variant is not present in population databases (gnomAD no frequency). This variant has not been reported in the literature in individuals affected with CD151-related conditions. ClinVar contains an entry for this variant (Variation ID: 2796879). An algorithm developed to predict the effect of missense changes on protein structure and function (PolyPhen-2) suggests that this variant is likely to be tolerated. In summary, the available evidence is currently insufficient to determine the role of this variant in disease. Therefore, it has been classified as a Variant of Uncertain Significance.